The following is an entry in ClinVar:

ClinVar aggregate classification (germline): Uncertain significance. Review status: criteria provided, multiple submitters, no conflicts (2 of 4 stars). 3 submissions from 3 submitters: Uncertain significance (3). Last evaluated 2023-07-26.

Conditions:
Inborn genetic diseases. Identifiers: MedGen C0950123, MeSH D030342.
Marinesco-Sjögren syndrome (MSS). Also called: Marinesco-SjÃ¶gren syndrome; Marinesco-Sjogren Syndrome. Identifiers: Orphanet 559, MedGen C0024814, MONDO:0009567, OMIM 248800.

Allele frequency attached by ClinVar (database versions not stated): gnomAD 0.00001; TOPMed 0.00001; 1000 Genomes Project 30x 0.00016; 1000 Genomes Project 0.00020.
gnomAD v4.1: 18 of 1,614,124 alleles (0.0011%); highest among the groups gnomAD compares: East Asian, 0.016%; no homozygotes.

Submissions (3):

Athena Diagnostics
Classification: Uncertain significance. Last evaluated: 2023-07-26. Review status: criteria provided, single submitter. Criteria: Athena Diagnostics Criteria. Collection method: clinical testing. Allele origin: unknown.
Comment: Available data are insufficient to determine the clinical significance of the variant at this time. The frequency of this variant in the general population is uninformative in assessment of its pathogenicity. Computational tools disagree on the variant's effect on normal protein function.

Ambry Genetics
Classification: Uncertain significance for Inborn genetic diseases. Last evaluated: 2021-08-02. Review status: criteria provided, single submitter. Criteria: Ambry Variant Classification Scheme 2023. Collection method: clinical testing. Allele origin: germline.

Revvity Omics, Revvity
Classification: Uncertain significance for Marinesco-Sjögren syndrome. Last evaluated: 2019-05-31. Review status: criteria provided, single submitter. Criteria: ACMG Guidelines, 2015. Collection method: clinical testing. Allele origin: germline.

NM_022464.5(SIL1):c.475C>T (p.Arg159Trp)

Gene: SIL1 (SIL1 nucleotide exchange factor; minus strand). Cytogenetic location: 5q31.2.
Variant type: single nucleotide variant.
Coding change: c.475C>T on transcript NM_022464.5 (MANE Select); coding-DNA position 475, C replaced by T.
Protein change: p.Arg159Trp; replaces arginine 159 with tryptophan.
Molecular consequence: missense variant.
Genome position (GRCh38, 1-based): chr5:139,026,971, G>A on the plus strand (C>T on the coding strand, the complement: SIL1 is on the minus strand). VCF-style: chr5-139026971-G-A. GRCh37 (hg19) VCF-style: chr5-138362660-G-A.
Other names: c.475C>T, p.Arg159Trp (NM_001037633.2); short protein forms R159W.
Identifiers: ClinVar variation 2408096 (VCV002408096.6), dbSNP rs200516067, ClinGen allele CA3432560.